The following is an entry in ClinVar:

ClinVar aggregate classification (germline): Benign. Review status: criteria provided, multiple submitters, no conflicts (2 of 4 stars). 3 submissions from 3 submitters: Benign (2). 1 of the submissions does not count toward it. Last evaluated 2018-06-26.

Conditions:
PADI4-related disorder. Also called: PADI4-related condition.

Allele frequency attached by ClinVar (database versions not stated): ExAC 0.00689; gnomAD 0.02098 and 0.02264; TOPMed 0.02351; ESP Exome Variant Server 0.02545; 1000 Genomes Project 0.02556; 1000 Genomes Project 30x 0.02608.
gnomAD v4.1: 6,493 of 1,614,030 alleles (0.4%); highest among the groups gnomAD compares: African/African-American, 7.2%; 208 homozygotes.

Submissions (3):

Labcorp Genetics (formerly Invitae), Labcorp
Classification: Benign. Last evaluated: 2018-06-26. Review status: criteria provided, single submitter. Criteria: Invitae Variant Classification Sherloc (09022015). Collection method: clinical testing. Allele origin: germline.

Breakthrough Genomics
Classification: Benign. Review status: criteria provided, single submitter. Criteria: ACMG Guidelines, 2015. Collection method: not provided. Allele origin: germline. Inheritance: Unknown mechanism. Affected: yes.

PreventionGenetics, part of Exact Sciences
Classification: Benign for PADI4-related condition. Last evaluated: 2019-04-25. Review status: no assertion criteria provided. Collection method: clinical testing. Allele origin: germline. Not counted in ClinVar's aggregate classification.
Comment: This variant is classified as benign based on ACMG/AMP sequence variant interpretation guidelines (Richards et al. 2015 PMID: 25741868, with internal and published modifications).

NM_012387.3(PADI4):c.23G>A (p.Arg8His)

Gene: PADI4 (peptidyl arginine deiminase 4; plus strand). Cytogenetic location: 1p36.13.
Variant type: single nucleotide variant.
Coding change: c.23G>A on transcript NM_012387.3 (MANE Select); coding-DNA position 23, G replaced by A.
Protein change: p.Arg8His; replaces arginine 8 with histidine.
Molecular consequence: missense variant.
Genome position (GRCh38, 1-based): chr1:17,308,245, G>A. VCF-style: chr1-17308245-G-A. GRCh37 (hg19) VCF-style: chr1-17634740-G-A.
Other names: short protein forms R8H.
Identifiers: ClinVar variation 777323 (VCV000777323.6), dbSNP rs35381732, ClinGen allele CA640315.
Genomic context (GRCh38, chr1:17,308,245, plus strand): 5'-GGGGCTTCCTACAGCCAGAGGGACGAGCTAGCCCGACGATGGCCCAGGGGACATTGATCC[G>A]TGTGACCCCAGAGCAGCCCACCCATGCCGTGTGTGTGCTGGGCACCTTGACTCAGCTTGA-3'
Protein context (NP_036519.2, residues 1-18): MAQGTLI[Arg8His]VTPEQPTHAV